The following is an entry in ClinVar:

ClinVar aggregate classification (germline): Uncertain significance. Review status: criteria provided, multiple submitters, no conflicts (2 of 4 stars). 2 submissions from 2 submitters: Uncertain significance (2). Last evaluated 2025-03-25.

Conditions:
Candidiasis, familial, 9 (CANDF9). Identifiers: Orphanet 1334, MedGen C4225324, MONDO:0014642, OMIM 616445.

gnomAD v4.1: 19 of 1,614,088 alleles (0.0012%); highest among the groups gnomAD compares: Non-Finnish European, 0.0015%; no homozygotes.

Submissions (2):

Labcorp Genetics (formerly Invitae), Labcorp
Classification: Uncertain significance for Candidiasis, familial, 9. Last evaluated: 2025-03-25. Review status: criteria provided, single submitter. Criteria: Invitae Variant Classification Sherloc (09022015). Collection method: clinical testing. Allele origin: germline.
Comment: This sequence change replaces glutamic acid, which is acidic and polar, with aspartic acid, which is acidic and polar, at codon 300 of the IL17RC protein (p.Glu300Asp). This variant is present in population databases (no rsID available, gnomAD 0.007%). This variant has not been reported in the literature in individuals affected with IL17RC-related conditions. ClinVar contains an entry for this variant (Variation ID: 1447457). An algorithm developed to predict the effect of missense changes on protein structure and function outputs the following: PolyPhen-2: "Benign". The aspartic acid amino acid residue is found in multiple mammalian species, which suggests that this missense change does not adversely affect protein function. In summary, the available evidence is currently insufficient to determine the role of this variant in disease. Therefore, it has been classified as a Variant of Uncertain Significance.

Ambry Genetics
Classification: Uncertain significance. Last evaluated: 2022-10-04. Review status: criteria provided, single submitter. Criteria: Ambry Variant Classification Scheme 2023. Collection method: clinical testing. Allele origin: germline.

NM_153460.4(IL17RC):c.687G>C (p.Glu229Asp)

Gene: IL17RC (interleukin 17 receptor C; plus strand). Cytogenetic location: 3p25.3.
Variant type: single nucleotide variant.
Coding change: c.687G>C on transcript NM_153460.4 (MANE Select); coding-DNA position 687, G replaced by C.
Protein change: p.Glu229Asp; replaces glutamic acid 229 with aspartic acid.
Molecular consequence: missense variant. On other transcripts: non-coding transcript variant (1).
Genome position (GRCh38, 1-based): chr3:9,923,945, G>C. VCF-style: chr3-9923945-G-C. GRCh37 (hg19) VCF-style: chr3-9965629-G-C.
Other names: c.687G>C, p.Glu229Asp (NM_001203263.2, NM_001203264.2, NM_001367278.1); c.642G>C, p.Glu214Asp (NM_001203265.2, NM_001367280.1, NM_032732.6); c.567G>C, p.Glu189Asp (NM_001367279.1); c.900G>C, p.Glu300Asp (NM_153461.4); c.900G>C (NM_153461.3); short protein forms E189D, E229D, E300D, E214D.
Identifiers: ClinVar variation 1447457 (VCV001447457.7), dbSNP rs140952032, ClinGen allele CA351759591.
Genomic context (GRCh38, chr3:9,923,945, plus strand): 5'-GCCCTGGCTCAACGTGTCAGCAGATGGTGACAACGTGCATCTGGTTCTGAATGTCTCTGA[G>C]GAGCAGCACTTCGGCCTCTCCCTGTACTGGAATCAGGTCCAGGGCCCCCCAAAACCCCGG-3'
Protein context (NP_703190.2, residues 219-239): DNVHLVLNVS[Glu229Asp]EQHFGLSLYW